The following is an entry in ClinVar:

NM_033198.4(PIGS):c.1030G>T (p.Ala344Ser)

Gene: PIGS (phosphatidylinositol glycan anchor biosynthesis class S; minus strand). Cytogenetic location: 17q11.2.
Variant type: single nucleotide variant.
Coding change: c.1030G>T on transcript NM_033198.4 (MANE Select); coding-DNA position 1030, G replaced by T.
Protein change: p.Ala344Ser; replaces alanine 344 with serine.
Molecular consequence: missense variant.
Genome position (GRCh38, 1-based): chr17:28,556,877, C>A on the plus strand (G>T on the coding strand, the complement: PIGS is on the minus strand). VCF-style: chr17-28556877-C-A. GRCh37 (hg19) VCF-style: chr17-26883895-C-A.
Other names: p.Ala344Ser; short protein forms A344S.
Identifiers: ClinVar variation 777153 (VCV000777153.7), dbSNP rs35452097, ClinGen allele CA8460118.
Genomic context (GRCh38, chr17:28,556,877, plus strand): 5'-TGACTATTACCATAATGCCACCCCAGCGGGGACTATGGAAGGCATTGGTGGCCACTGGAG[C>A]GCCATCCTTGTCCTGAATGTACAGCGGTGAGTGTGCAAGCTCAGGCACGTAGAGTAGAAA-3'
Protein context (NP_149975.1, residues 334-354): SPLYIQDKDG[Ala344Ser]PVATNAFHSP

ClinVar aggregate classification (germline): Benign. Review status: criteria provided, multiple submitters, no conflicts (2 of 4 stars). 4 submissions from 4 submitters: Benign (3). 1 of the submissions does not count toward it. Last evaluated 2023-09-13.

Conditions:
PIGS-related disorder. Also called: PIGS-related condition.

Allele frequency attached by ClinVar (database versions not stated): ESP Exome Variant Server 0.02714; 1000 Genomes Project 30x 0.02670; TOPMed 0.02360; 1000 Genomes Project 0.02516.
gnomAD v4.1: 6,440 of 1,614,088 alleles (0.4%); highest among the groups gnomAD compares: African/African-American, 7.6%; 234 homozygotes.

Submissions (4):

Mayo Clinic Laboratories, Mayo Clinic
Classification: Benign. Last evaluated: 2023-09-13. Review status: criteria provided, single submitter. Criteria: ACMG Guidelines, 2015. Collection method: clinical testing. Allele origin: germline. Observed: 3 variant alleles.

Labcorp Genetics (formerly Invitae), Labcorp
Classification: Benign. Last evaluated: 2018-07-23. Review status: criteria provided, single submitter. Criteria: Invitae Variant Classification Sherloc (09022015). Collection method: clinical testing. Allele origin: germline.

Breakthrough Genomics
Classification: Benign. Review status: criteria provided, single submitter. Criteria: ACMG Guidelines, 2015. Collection method: not provided. Allele origin: germline. Inheritance: Autosomal recessive inheritance. Affected: yes.

PreventionGenetics, part of Exact Sciences
Classification: Benign for PIGS-related condition. Last evaluated: 2019-10-01. Review status: no assertion criteria provided. Collection method: clinical testing. Allele origin: germline. Not counted in ClinVar's aggregate classification.
Comment: This variant is classified as benign based on ACMG/AMP sequence variant interpretation guidelines (Richards et al. 2015 PMID: 25741868, with internal and published modifications).